The following is an entry in ClinVar:

NM_001271.4(CHD2):c.4907A>G (p.Asp1636Gly)

Gene: CHD2 (chromodomain helicase DNA binding protein 2; plus strand). Cytogenetic location: 15q26.1.
Variant type: single nucleotide variant.
Coding change: c.4907A>G on transcript NM_001271.4 (MANE Select); coding-DNA position 4907, A replaced by G.
Protein change: p.Asp1636Gly; replaces aspartic acid 1636 with glycine.
Molecular consequence: missense variant.
Genome position (GRCh38, 1-based): chr15:93,020,012, A>G. VCF-style: chr15-93020012-A-G. GRCh37 (hg19) VCF-style: chr15-93563242-A-G.
Other names: short protein forms D1636G.
Identifiers: ClinVar variation 2790580 (VCV002790580.3), dbSNP rs765339868, ClinGen allele CA7748600.

ClinVar aggregate classification (germline): Uncertain significance (1 of 4 stars; one submission).

Conditions:
Developmental and epileptic encephalopathy 94 (DEE94). Also called: CHD2-Related Neurodevelopmental Disorders; Epileptic encephalopathy, childhood-onset. Identifiers: Orphanet 1942, Orphanet 2382, MedGen C3809278, MONDO:0014150, OMIM 615369.

Allele frequency attached by ClinVar (database versions not stated): ExAC 0.00001.
gnomAD v4.1: 4 of 1,609,420 alleles (0.00025%); highest among the groups gnomAD compares: South Asian, 0.0033%; no homozygotes.

Submission:

Labcorp Genetics (formerly Invitae), Labcorp
Classification: Uncertain significance for Developmental and epileptic encephalopathy 94. Last evaluated: 2023-11-13. Review status: criteria provided, single submitter. Criteria: Invitae Variant Classification Sherloc (09022015). Collection method: clinical testing. Allele origin: germline.
Comment: This sequence change replaces aspartic acid, which is acidic and polar, with glycine, which is neutral and non-polar, at codon 1636 of the CHD2 protein (p.Asp1636Gly). This variant is present in population databases (rs765339868, gnomAD 0.003%). This variant has not been reported in the literature in individuals affected with CHD2-related conditions. An algorithm developed to predict the effect of missense changes on protein structure and function (PolyPhen-2) suggests that this variant is likely to be tolerated. In summary, the available evidence is currently insufficient to determine the role of this variant in disease. Therefore, it has been classified as a Variant of Uncertain Significance.